The following is an entry in ClinVar:

NM_001079802.2(FKTN):c.322A>G (p.Arg108Gly)

Gene: FKTN (fukutin; plus strand). Cytogenetic location: 9q31.2.
Variant type: single nucleotide variant.
Coding change: c.322A>G on transcript NM_001079802.2 (MANE Select); coding-DNA position 322, A replaced by G.
Protein change: p.Arg108Gly; replaces arginine 108 with glycine.
Molecular consequence: missense variant. On other transcripts: 5 prime UTR variant (4), non-coding transcript variant (2).
Genome position (GRCh38, 1-based): chr9:105,601,301, A>G. VCF-style: chr9-105601301-A-G. GRCh37 (hg19) VCF-style: chr9-108363582-A-G.
Other names: c.322A>G, p.Arg108Gly (NM_001198963.2, NM_001351496.2, NM_001351498.2 and 1 more transcripts); c.253A>G, p.Arg85Gly (NM_001351497.2); c.-193A>G (NM_001351499.2, NM_001351500.2, NM_001351501.2 and 1 more transcripts); short protein forms R108G, R85G.
Identifiers: ClinVar variation 1387560 (VCV001387560.3), dbSNP rs2132707988, ClinGen allele CA374331735.

ClinVar aggregate classification (germline): Uncertain significance (1 of 4 stars; one submission).

Conditions:
Walker-Warburg congenital muscular dystrophy. Also called: Muscular dystrophy-dystroglycanopathy, type A; Walker-Warburg syndrome. Identifiers: Orphanet 899, MedGen C0265221, MONDO:0000171.

Submission:

Labcorp Genetics (formerly Invitae), Labcorp
Classification: Uncertain significance for Walker-Warburg congenital muscular dystrophy. Last evaluated: 2021-08-26. Review status: criteria provided, single submitter. Criteria: Invitae Variant Classification Sherloc (09022015). Collection method: clinical testing. Allele origin: germline.
Comment: This sequence change replaces arginine with glycine at codon 108 of the FKTN protein (p.Arg108Gly). The arginine residue is highly conserved and there is a moderate physicochemical difference between arginine and glycine. This variant is not present in population databases (ExAC no frequency). This variant has not been reported in the literature in individuals affected with FKTN-related conditions. Algorithms developed to predict the effect of missense changes on protein structure and function (SIFT, PolyPhen-2, Align-GVGD) all suggest that this variant is likely to be tolerated. Algorithms developed to predict the effect of sequence changes on RNA splicing suggest that this variant may create or strengthen a splice site. In summary, the available evidence is currently insufficient to determine the role of this variant in disease. Therefore, it has been classified as a Variant of Uncertain Significance.